The following is an entry in ClinVar:

ClinVar aggregate classification (germline): Likely pathogenic (1 of 4 stars; one submission).

Submission:

GeneDx
Classification: Likely pathogenic. Last evaluated: 2020-12-08. Review status: criteria provided, single submitter. Criteria: GeneDx Variant Classification Process June 2021. Collection method: clinical testing. Allele origin: germline. Affected: yes.
Comment: Frameshift variant in the C-terminus predicted to result in protein truncation, as the last 363 amino acids are lost and replaced with 3 incorrect amino acids (Stenson et al., 2014); Not observed in large population cohorts (Lek et al., 2016); Has not been previously published as pathogenic or benign to our knowledge

NM_173495.3(PTCHD1):c.1575dup (p.Ser526fs)

Gene: PTCHD1 (patched domain containing 1; plus strand). Cytogenetic location: Xp22.11.
Variant type: Duplication.
Coding change: c.1575dup on transcript NM_173495.3 (MANE Select); coding-DNA position 1575, one base duplicated (G; older notation c.1575dupG).
Protein change: p.Ser526fs; shifts the reading frame from serine 526.
Molecular consequence: frameshift variant.
Genome position (GRCh38, 1-based): chrX:23,393,093, G duplicated; the last of 3 consecutive G bases (chrX:23,393,091-23,393,093); duplicating any one gives the same sequence. VCF-style (leftmost placement, unchanged base first): chrX-23393090-A-AG. GRCh37 (hg19) VCF-style: chrX-23411207-A-AG.
Other names: c.1575dupG (NM_173495.2); short protein forms S526fs.
Identifiers: ClinVar variation 817294 (VCV000817294.2), dbSNP rs1601918200, ClinGen allele CA915950799.